The following is an entry in ClinVar:

NM_001036.6(RYR3):c.1280G>A (p.Arg427His)

Gene: RYR3 (ryanodine receptor 3; plus strand). Cytogenetic location: 15q14.
Variant type: single nucleotide variant.
Coding change: c.1280G>A on transcript NM_001036.6 (MANE Select); coding-DNA position 1280, G replaced by A.
Protein change: p.Arg427His; replaces arginine 427 with histidine.
Molecular consequence: missense variant.
Genome position (GRCh38, 1-based): chr15:33,579,987, G>A. VCF-style: chr15-33579987-G-A. GRCh37 (hg19) VCF-style: chr15-33872188-G-A.
Other names: c.1280G>A, p.Arg427His (NM_001243996.4); short protein forms R427H.
Identifiers: ClinVar variation 657148 (VCV000657148.11), dbSNP rs765542021, ClinGen allele CA7458091.

ClinVar aggregate classification (germline): Uncertain significance. Review status: criteria provided, multiple submitters, no conflicts (2 of 4 stars). 2 submissions from 2 submitters: Uncertain significance (2). Last evaluated 2022-07-25.

Conditions:
Epileptic encephalopathy. Identifiers: MedGen C0543888, HP:0200134.

Allele frequency attached by ClinVar (database versions not stated): gnomAD 0.00005 and 0.00006; TOPMed 0.00005; ExAC 0.00006.
gnomAD v4.1: 75 of 1,607,798 alleles (0.0047%); highest among the groups gnomAD compares: Middle Eastern, 0.13%; no homozygotes.

Submissions (2):

Labcorp Genetics (formerly Invitae), Labcorp
Classification: Uncertain significance for Epileptic encephalopathy. Last evaluated: 2022-07-25. Review status: criteria provided, single submitter. Criteria: Invitae Variant Classification Sherloc (09022015). Collection method: clinical testing. Allele origin: germline.
Comment: In summary, the available evidence is currently insufficient to determine the role of this variant in disease. Therefore, it has been classified as a Variant of Uncertain Significance. Algorithms developed to predict the effect of missense changes on protein structure and function (SIFT, PolyPhen-2, Align-GVGD) all suggest that this variant is likely to be tolerated. ClinVar contains an entry for this variant (Variation ID: 657148). This variant has not been reported in the literature in individuals affected with RYR3-related conditions. This variant is present in population databases (rs765542021, gnomAD 0.007%). This sequence change replaces arginine, which is basic and polar, with histidine, which is basic and polar, at codon 427 of the RYR3 protein (p.Arg427His).

Breakthrough Genomics
Classification: Uncertain significance. Review status: criteria provided, single submitter. Criteria: ACMG Guidelines, 2015. Collection method: not provided. Allele origin: germline. Inheritance: Unknown mechanism. Affected: yes.